The following is an entry in ClinVar:

NM_001377.3(DYNC2H1):c.5690T>C (p.Ile1897Thr)

Gene: DYNC2H1 (dynein cytoplasmic 2 heavy chain 1; plus strand). Cytogenetic location: 11q22.3.
Variant type: single nucleotide variant.
Coding change: c.5690T>C on transcript NM_001377.3 (MANE Select); coding-DNA position 5690, T replaced by C.
Protein change: p.Ile1897Thr; replaces isoleucine 1897 with threonine.
Molecular consequence: missense variant.
Genome position (GRCh38, 1-based): chr11:103,176,250, T>C. VCF-style: chr11-103176250-T-C. GRCh37 (hg19) VCF-style: chr11-103046979-T-C.
Other names: c.5690T>C, p.Ile1897Thr (NM_001080463.2); short protein forms I1897T.
Identifiers: ClinVar variation 864089 (VCV000864089.8), dbSNP rs141509896, ClinGen allele CA227400772.

ClinVar aggregate classification (germline): Uncertain significance. Review status: criteria provided, multiple submitters, no conflicts (2 of 4 stars). 2 submissions from 2 submitters: Uncertain significance (2). Last evaluated 2024-04-23.

Conditions:
Jeune thoracic dystrophy. Also called: Short-rib thoracic dysplasia; Jeune syndrome; Infantile thoracic dystrophy; Thoracic pelvic phalangeal dystrophy; Jeune's syndrome; Chondroectodermal dysplasia-like syndrome. Identifiers: Orphanet 474, MedGen C0265275, MONDO:0018770.

Allele frequency attached by ClinVar (database versions not stated): gnomAD exomes below 0.00001 and 0.00001; gnomAD 0.00001 and 0.00004; TOPMed 0.00002; 1000 Genomes Project 30x 0.00031; 1000 Genomes Project 0.00040.
gnomAD v4.1: 23 of 1,498,852 alleles (0.0015%); highest among the groups gnomAD compares: African/African-American, 0.014%; 1 homozygote.

Submissions (2):

Women's Health and Genetics/Laboratory Corporation of America, LabCorp
Classification: Uncertain significance. Last evaluated: 2024-04-23. Review status: criteria provided, single submitter. Criteria: LabCorp Variant Classification Summary - May 2015. Collection method: clinical testing. Allele origin: germline.
Comment: Variant summary: DYNC2H1 c.5690T>C (p.Ile1897Thr) results in a non-conservative amino acid change located in the Dynein heavy chain, hydrolytic ATP-binding dynein motor region (IPR035699) of the encoded protein sequence. Four of five in-silico tools predict a damaging effect of the variant on protein function. The variant allele was found at a frequency of 8.7e-06 in 114710 control chromosomes. The available data on variant occurrences in the general population are insufficient to allow any conclusion about variant significance. c.5690T>C has been reported in the literature in trans with a pathogenic variant, but in cis with two other missense variants of uncertain significance, in an individual affected with asphyxiating thoracic dystrophy (Hammarsj_2021). This individual also had a similarly affected sibling, however they were unavailable for genetic testing. These data do not allow any conclusion about variant significance. To our knowledge, no experimental evidence demonstrating an impact on protein function has been reported. The following publication has been ascertained in the context of this evaluation (PMID: 33875766). ClinVar contains an entry for this variant (Variation ID: 864089). Based on the evidence outlined above, the variant was classified as uncertain significance.

Labcorp Genetics (formerly Invitae), Labcorp
Classification: Uncertain significance for Jeune thoracic dystrophy. Last evaluated: 2022-09-12. Review status: criteria provided, single submitter. Criteria: Invitae Variant Classification Sherloc (09022015). Collection method: clinical testing. Allele origin: germline.
Comment: This sequence change replaces isoleucine, which is neutral and non-polar, with threonine, which is neutral and polar, at codon 1897 of the DYNC2H1 protein (p.Ile1897Thr). This variant is present in population databases (rs141509896, gnomAD 0.02%). This variant has not been reported in the literature in individuals affected with DYNC2H1-related conditions. ClinVar contains an entry for this variant (Variation ID: 864089). Advanced modeling of protein sequence and biophysical properties (such as structural, functional, and spatial information, amino acid conservation, physicochemical variation, residue mobility, and thermodynamic stability) has been performed at Invitae for this missense variant, however the output from this modeling did not meet the statistical confidence thresholds required to predict the impact of this variant on DYNC2H1 protein function. In summary, the available evidence is currently insufficient to determine the role of this variant in disease. Therefore, it has been classified as a Variant of Uncertain Significance.

Literature cited by the submitters: PubMed 33875766 (cited by Women's Health and Genetics/Laboratory Corporation of America, LabCorp).